The following is an entry in ClinVar:

NM_001025603.2(RFX5):c.1499G>A (p.Trp500Ter)

Gene: RFX5 (regulatory factor X5; minus strand). Cytogenetic location: 1q21.3.
Variant type: single nucleotide variant.
Coding change: c.1499G>A on transcript NM_001025603.2 (MANE Select); coding-DNA position 1499, G replaced by A.
Protein change: p.Trp500Ter; replaces tryptophan 500 with a stop codon.
Molecular consequence: nonsense.
Genome position (GRCh38, 1-based): chr1:151,342,538, C>T on the plus strand (G>A on the coding strand, the complement: RFX5 is on the minus strand). VCF-style: chr1-151342538-C-T. GRCh37 (hg19) VCF-style: chr1-151315014-C-T.
Other names: c.1499G>A, p.Trp500Ter (NM_000449.4, NM_001379412.1, NM_001379413.1 and 5 more transcripts); c.1379G>A, p.Trp460Ter (NM_001379419.1, NM_001379420.1); short protein forms W460*, W500*.
Identifiers: ClinVar variation 2995578 (VCV002995578.4), dbSNP rs1426299431, ClinGen allele CA341925858.

ClinVar aggregate classification (germline): Conflicting classifications of pathogenicity. Review status: criteria provided, conflicting classifications (1 of 4 stars). 2 submissions from 2 submitters: Pathogenic (1); Uncertain significance (1). Last evaluated 2023-01-24.

Conditions:
MHC class II deficiency. Also called: Bare lymphocyte syndrome 2; BLS, TYPE II. Identifiers: Orphanet 572, MedGen C5447452, MONDO:0008855.

Allele frequency attached by ClinVar (database versions not stated): gnomAD exomes below 0.00001; TOPMed below 0.00001; gnomAD 0.00001.
gnomAD v4.1: 2 of 1,614,040 alleles (0.00012%); highest among the groups gnomAD compares: Admixed American, 0.0017%; no homozygotes.

Submissions (2):

Labcorp Genetics (formerly Invitae), Labcorp
Classification: Pathogenic for MHC class II deficiency. Last evaluated: 2023-01-24. Review status: criteria provided, single submitter. Criteria: Invitae Variant Classification Sherloc (09022015). Collection method: clinical testing. Allele origin: germline.
Comment: For these reasons, this variant has been classified as Pathogenic. This variant disrupts a region of the RFX5 protein in which other variant(s) (p.Ser571Glnfs*22) have been determined to be pathogenic (Invitae). This suggests that this is a clinically significant region of the protein, and that variants that disrupt it are likely to be disease-causing. This variant has not been reported in the literature in individuals affected with RFX5-related conditions. This variant is present in population databases (no rsID available, gnomAD 0.003%). This sequence change creates a premature translational stop signal (p.Trp500*) in the RFX5 gene. While this is not anticipated to result in nonsense mediated decay, it is expected to disrupt the last 117 amino acid(s) of the RFX5 protein.

Blueprint Genetics
Classification: Uncertain significance. Last evaluated: 2022-07-17. Review status: criteria provided, single submitter. Criteria: ACMG Guidelines, 2015. Collection method: clinical testing. Allele origin: germline.